The following is an entry in ClinVar:

ClinVar aggregate classification (germline): Uncertain significance. Review status: criteria provided, multiple submitters, no conflicts (2 of 4 stars). 2 submissions from 2 submitters: Uncertain significance (2). Last evaluated 2024-11-08.

Conditions:
PDGFRA-related disorder. Also called: PDGFRA-related condition.
Gastrointestinal stromal tumor. Also called: Gastrointestinal stroma tumor; Gastrointestinal stromal tumor, somatic. Identifiers: Orphanet 44890, MedGen C0238198, MeSH D046152, MONDO:0011719, OMIM 606764, HP:0100723.

gnomAD v4.1: 1 of 1,614,116 alleles (0.000062%); highest among the groups gnomAD compares: Non-Finnish European, 0.000085%; no homozygotes.

Submissions (2):

PreventionGenetics, part of Exact Sciences
Classification: Uncertain significance for PDGFRA-related condition. Last evaluated: 2024-11-08. Review status: criteria provided, single submitter. Criteria: ACMG Guidelines, 2015. Collection method: clinical testing. Allele origin: germline.
Comment: The PDGFRA c.327G>C variant is predicted to result in the amino acid substitution p.Glu109Asp. To our knowledge, this variant has not been reported in the literature or in a large population database (gnomAD), indicating this variant is rare. This variant is interpreted as uncertain in ClinVar. At this time, the clinical significance of this variant is uncertain due to the absence of conclusive functional and genetic evidence.

Labcorp Genetics (formerly Invitae), Labcorp
Classification: Uncertain significance for Gastrointestinal stromal tumor. Last evaluated: 2024-10-24. Review status: criteria provided, single submitter. Criteria: Invitae Variant Classification Sherloc (09022015). Collection method: clinical testing. Allele origin: germline.
Comment: This sequence change replaces glutamic acid, which is acidic and polar, with aspartic acid, which is acidic and polar, at codon 109 of the PDGFRA protein (p.Glu109Asp). This variant is not present in population databases (gnomAD no frequency). This variant has not been reported in the literature in individuals affected with PDGFRA-related conditions. ClinVar contains an entry for this variant (Variation ID: 1481550). Invitae Evidence Modeling of protein sequence and biophysical properties (such as structural, functional, and spatial information, amino acid conservation, physicochemical variation, residue mobility, and thermodynamic stability) indicates that this missense variant is not expected to disrupt PDGFRA protein function with a negative predictive value of 80%. In summary, the available evidence is currently insufficient to determine the role of this variant in disease. Therefore, it has been classified as a Variant of Uncertain Significance.

NM_006206.6(PDGFRA):c.327G>C (p.Glu109Asp)

Gene: PDGFRA (platelet derived growth factor receptor alpha; plus strand). Cytogenetic location: 4q12.
Variant type: single nucleotide variant.
Coding change: c.327G>C on transcript NM_006206.6 (MANE Select); coding-DNA position 327, G replaced by C.
Protein change: p.Glu109Asp; replaces glutamic acid 109 with aspartic acid.
Molecular consequence: missense variant.
Genome position (GRCh38, 1-based): chr4:54,261,372, G>C. VCF-style: chr4-54261372-G-C. GRCh37 (hg19) VCF-style: chr4-55127539-G-C.
Other names: c.327G>C, p.Glu109Asp (NM_001347827.2, NM_001347829.2); c.402G>C, p.Glu134Asp (NM_001347828.2); c.366G>C, p.Glu122Asp (NM_001347830.2); c.327G>C (NM_006206.5); short protein forms E109D, E122D, E134D.
Identifiers: ClinVar variation 1481550 (VCV001481550.7), dbSNP rs1577705804, ClinGen allele CA356888967.
Genomic context (GRCh38, chr4:54,261,372, plus strand): 5'-TGCCTCGGCGGCCCACACAGGGTTGTACACTTGCTATTACAACCACACTCAGACAGAAGA[G>C]AATGAGCTTGAAGGCAGGCACATTTACATCTATGTGCCAGGTGAGTTGGCTGGGTCTCCA-3'
Protein context (NP_006197.1, residues 99-119): TCYYNHTQTE[Glu109Asp]NELEGRHIYI